The following is an entry in ClinVar:

NM_144498.4(OSBPL2):c.128G>T (p.Arg43Met)

Gene: OSBPL2 (oxysterol binding protein like 2; plus strand). Cytogenetic location: 20q13.33.
Variant type: single nucleotide variant.
Coding change: c.128G>T on transcript NM_144498.4 (MANE Select); coding-DNA position 128, G replaced by T.
Protein change: p.Arg43Met; replaces arginine 43 with methionine.
Molecular consequence: missense variant. On other transcripts: 5 prime UTR variant (1), intron variant (1).
Genome position (GRCh38, 1-based): chr20:62,260,071, G>T. VCF-style: chr20-62260071-G-T. GRCh37 (hg19) VCF-style: chr20-60835127-G-T.
Other names: c.-239G>T (NM_001363878.2); c.92G>T, p.Arg31Met (NM_014835.5); c.-184-3545G>T (NM_001278649.3); short protein forms R31M, R43M.
Identifiers: ClinVar variation 1299987 (VCV001299987.12), dbSNP rs143116125, ClinGen allele CA9938345.
Genomic context (GRCh38, chr20:62,260,071, plus strand): 5'-TTTCAGAGGCAAATCAGAAAGTCACGGGAATGATTGACTTAGACACCAGCAAAAATAATA[G>T]GATTGGGAAAACTGGGGAGAGGCCCTCTCAAGAGAACGGAATTCAGAAACACAGGTATGT-3'
Protein context (NP_653081.1, residues 33-53): MIDLDTSKNN[Arg43Met]IGKTGERPSQ

ClinVar aggregate classification (germline): Conflicting classifications of pathogenicity. Review status: criteria provided, conflicting classifications (1 of 4 stars). 4 submissions from 4 submitters: Uncertain significance (1); Likely benign (1). 2 of the submissions do not count toward it. Last evaluated 2025-12-15.

Allele frequency attached by ClinVar (database versions not stated): ExAC 0.00006; gnomAD 0.00010; TOPMed 0.00011; ESP Exome Variant Server 0.00015.
gnomAD v4.1: 183 of 1,613,880 alleles (0.011%); highest among the groups gnomAD compares: Non-Finnish European, 0.015%; no homozygotes.

Submissions (4):

Labcorp Genetics (formerly Invitae), Labcorp
Classification: Uncertain significance. Last evaluated: 2025-12-15. Review status: criteria provided, single submitter. Criteria: Invitae Variant Classification Sherloc (09022015). Collection method: clinical testing. Allele origin: germline.
Comment: This sequence change replaces arginine, which is basic and polar, with methionine, which is neutral and non-polar, at codon 43 of the OSBPL2 protein (p.Arg43Met). This variant is present in population databases (rs143116125, gnomAD 0.01%). This variant has not been reported in the literature in individuals affected with OSBPL2-related conditions. ClinVar contains an entry for this variant (Variation ID: 1299987). An algorithm developed to predict the effect of missense changes on protein structure and function (PolyPhen-2) suggests that this variant is likely to be tolerated. In summary, the available evidence is currently insufficient to determine the role of this variant in disease. Therefore, it has been classified as a Variant of Uncertain Significance.

Blueprint Genetics
Classification: Likely benign. Last evaluated: 2022-12-01. Review status: criteria provided, single submitter. Criteria: ACMG Guidelines, 2015. Collection method: clinical testing. Allele origin: germline.

Clinical Genetics DNA and cytogenetics Diagnostics Lab, Erasmus MC, Erasmus Medical Center
Classification: Likely benign. Review status: no assertion criteria provided. Collection method: clinical testing. Allele origin: germline. Affected: yes. Study: VKGL Data-share Consensus. Not counted in ClinVar's aggregate classification.

Joint Genome Diagnostic Labs from Nijmegen and Maastricht, Radboudumc and MUMC+
Classification: Likely benign. Review status: no assertion criteria provided. Collection method: clinical testing. Allele origin: germline. Affected: yes. Study: VKGL Data-share Consensus. Not counted in ClinVar's aggregate classification.